The following is an entry in ClinVar:

ClinVar aggregate classification (germline): Pathogenic (1 of 4 stars; one submission).

gnomAD v4.1: 8 of 1,614,042 alleles (0.0005%); highest among the groups gnomAD compares: Non-Finnish European, 0.00068%; no homozygotes.

Submission:

Labcorp Genetics (formerly Invitae), Labcorp
Classification: Pathogenic. Last evaluated: 2022-04-09. Review status: criteria provided, single submitter. Criteria: Invitae Variant Classification Sherloc (09022015). Collection method: clinical testing. Allele origin: germline.
Comment: This sequence change creates a premature translational stop signal (p.Trp389*) in the UBE3B gene. It is expected to result in an absent or disrupted protein product. Loss-of-function variants in UBE3B are known to be pathogenic (PMID: 23687348, 24615390). This variant is present in population databases (no rsID available, gnomAD 0.0009%). This premature translational stop signal has been observed in individual(s) with clinical features of Kaufman oculocerebrofacial syndrome (PMID: 23687348, 29160006). For these reasons, this variant has been classified as Pathogenic.

Literature cited by the submitters: PubMed 23687348; PubMed 24615390; PubMed 29160006.

NM_130466.4(UBE3B):c.1167G>A (p.Trp389Ter)

Gene: UBE3B (ubiquitin protein ligase E3B; plus strand). Cytogenetic location: 12q24.11.
Variant type: single nucleotide variant.
Coding change: c.1167G>A on transcript NM_130466.4 (MANE Select); coding-DNA position 1167, G replaced by A.
Protein change: p.Trp389Ter; replaces tryptophan 389 with a stop codon.
Molecular consequence: nonsense.
Genome position (GRCh38, 1-based): chr12:109,501,419, G>A. VCF-style: chr12-109501419-G-A. GRCh37 (hg19) VCF-style: chr12-109939224-G-A.
Other names: c.1167G>A, p.Trp389Ter (NM_183415.3); short protein forms W389*.
Identifiers: ClinVar variation 1972108 (VCV001972108.3), dbSNP rs1359982302, ClinGen allele CA386635064.